The following is an entry in ClinVar:

ClinVar aggregate classification (germline): Uncertain significance (1 of 4 stars; one submission).

gnomAD v4.1: 1 of 1,611,372 alleles (0.000062%); highest among the groups gnomAD compares: Admixed American, 0.0017%; no homozygotes.

Submission:

GeneDx
Classification: Uncertain significance. Last evaluated: 2025-02-27. Review status: criteria provided, single submitter. Criteria: GeneDx Variant Classification Process June 2021. Collection method: clinical testing. Allele origin: germline. Affected: yes.
Comment: Not observed at significant frequency in large population cohorts (gnomAD); In silico analysis supports that this missense variant has a deleterious effect on protein structure/function; Has not been previously published as pathogenic or benign to our knowledge; This substitution is predicted to be within the cytoplasmic loop between the second and third homologous domains

NM_001330260.2(SCN8A):c.3299T>A (p.Val1100Glu)

Gene: SCN8A (sodium voltage-gated channel alpha subunit 8; plus strand). Cytogenetic location: 12q13.13.
Variant type: single nucleotide variant.
Coding change: c.3299T>A on transcript NM_001330260.2 (MANE Select); coding-DNA position 3299, T replaced by A.
Protein change: p.Val1100Glu; replaces valine 1100 with glutamic acid.
Molecular consequence: missense variant.
Genome position (GRCh38, 1-based): chr12:51,769,262, T>A. VCF-style: chr12-51769262-T-A. GRCh37 (hg19) VCF-style: chr12-52163046-T-A.
Other names: c.3299T>A, p.Val1100Glu (NM_001177984.3, NM_001369788.1, NM_014191.4); short protein forms V1100E.
Identifiers: ClinVar variation 4077295 (VCV004077295.1).
Genomic context (GRCh38, chr12:51,769,262, plus strand): 5'-ATGAGGACCACATGTCCTTCATCAACAACCCCAACTTGACTGTACGGGTACCCATTGCTG[T>A]GGGCGAGTCTGACTTTGAGAACCTCAACACAGAGGATGTTAGCAGCGAGTCGGATCCTGA-3'
Protein context (NP_001317189.1, residues 1090-1110): PNLTVRVPIA[Val1100Glu]GESDFENLNT